The following is an entry in ClinVar:

ClinVar aggregate classification (germline): Uncertain significance (1 of 4 stars; one submission).

Conditions:
Familial cancer of breast. Also called: BREAST CANCER, FAMILIAL; Hereditary breast cancer; hereditary breast carcinoma. Identifiers: Orphanet 227535, MedGen C0346153, MONDO:0016419, OMIM 114480. Disease mechanism: loss of function.

Submission:

Labcorp Genetics (formerly Invitae), Labcorp
Classification: Uncertain significance for Familial cancer of breast. Last evaluated: 2020-12-29. Review status: criteria provided, single submitter. Criteria: Invitae Variant Classification Sherloc (09022015). Collection method: clinical testing. Allele origin: germline.
Comment: This variant is not present in population databases (ExAC no frequency). In summary, the available evidence is currently insufficient to determine the role of this variant in disease. Therefore, it has been classified as a Variant of Uncertain Significance. Algorithms developed to predict the effect of missense changes on protein structure and function are either unavailable or do not agree on the potential impact of this missense change (SIFT: "Tolerated"; PolyPhen-2: "Possibly Damaging"; Align-GVGD: "Class C0"). This variant has not been reported in the literature in individuals with PALB2-related conditions. This sequence change replaces valine with leucine at codon 923 of the PALB2 protein (p.Val923Leu). The valine residue is moderately conserved and there is a small physicochemical difference between valine and leucine.

NM_024675.4(PALB2):c.2767G>C (p.Val923Leu)

Gene: PALB2 (partner and localizer of BRCA2; minus strand). Cytogenetic location: 16p12.2.
Variant type: single nucleotide variant.
Coding change: c.2767G>C on transcript NM_024675.4 (MANE Select); coding-DNA position 2767, G replaced by C.
Protein change: p.Val923Leu; replaces valine 923 with leucine.
Molecular consequence: missense variant.
Genome position (GRCh38, 1-based): chr16:23,624,076, C>G on the plus strand (G>C on the coding strand, the complement: PALB2 is on the minus strand). VCF-style: chr16-23624076-C-G. GRCh37 (hg19) VCF-style: chr16-23635397-C-G.
Other names: short protein forms V923L.
Identifiers: ClinVar variation 1432361 (VCV001432361.9), dbSNP rs767165391, ClinGen allele CA395145184.